The following is an entry in ClinVar:

NM_001271.4(CHD2):c.444-285G>A

Gene: CHD2 (chromodomain helicase DNA binding protein 2; plus strand). Cytogenetic location: 15q26.1.
Variant type: single nucleotide variant.
Coding change: c.444-285G>A on transcript NM_001271.4 (MANE Select); 285 bases into the intron before coding-DNA position 444, G replaced by A.
Molecular consequence: intron variant.
Genome position (GRCh38, 1-based): chr15:92,937,233, G>A. VCF-style: chr15-92937233-G-A. GRCh37 (hg19) VCF-style: chr15-93480463-G-A.
Other names: c.444-285G>A (NM_001042572.3).
Identifiers: ClinVar variation 671820 (VCV000671820.1), dbSNP rs78177980, ClinGen allele CA15839847.

ClinVar aggregate classification (germline): Benign (1 of 4 stars; one submission).

Allele frequency attached by ClinVar (database versions not stated): 1000 Genomes Project 30x 0.01827; 1000 Genomes Project 0.01857; TOPMed 0.02547; gnomAD 0.04311.
gnomAD v4.1: 5,018 of 152,010 alleles (3.3%); highest among the groups gnomAD compares: Non-Finnish European, 4.4%; 137 homozygotes.

Submission:

GeneDx
Classification: Benign. Last evaluated: 2018-06-19. Review status: criteria provided, single submitter. Criteria: GeneDx Variant Classification (06012015). Collection method: clinical testing. Allele origin: germline. Affected: yes.
Comment: This variant is considered likely benign or benign based on one or more of the following criteria: it is a conservative change, it occurs at a poorly conserved position in the protein, it is predicted to be benign by multiple in silico algorithms, and/or has population frequency not consistent with disease.